The following is an entry in ClinVar:

NM_206933.4(USH2A):c.14173T>C (p.Trp4725Arg)

Gene: USH2A (usherin; minus strand). Cytogenetic location: 1q41.
Variant type: single nucleotide variant.
Coding change: c.14173T>C on transcript NM_206933.4 (MANE Select); coding-DNA position 14173, T replaced by C.
Protein change: p.Trp4725Arg; replaces tryptophan 4725 with arginine.
Molecular consequence: missense variant.
Genome position (GRCh38, 1-based): chr1:215,650,762, A>G on the plus strand (T>C on the coding strand, the complement: USH2A is on the minus strand). VCF-style: chr1-215650762-A-G. GRCh37 (hg19) VCF-style: chr1-215824104-A-G.
Other names: short protein forms W4725R.
Identifiers: ClinVar variation 3062094 (VCV003062094.1), dbSNP rs760363179, ClinGen allele CA344835907.

ClinVar aggregate classification (germline): Uncertain significance (1 of 4 stars; one submission).

Conditions:
Usher syndrome type 2A. Also called: RETINAL DISEASE IN USHER SYNDROME TYPE IIA, MODIFIER OF; USHER SYNDROME, TYPE IIA. Identifiers: Orphanet 231178, Orphanet 886, MedGen C1848634, MONDO:0010169, OMIM 276901.

Submission:

Illumina Laboratory Services, Illumina
Classification: Uncertain significance for Usher syndrome type 2A. Last evaluated: 2020-09-30. Review status: criteria provided, single submitter. Criteria: ICSLVariantClassificationCriteria RUGD 01 April 2020. Collection method: clinical testing. Allele origin: unknown.
Comment: The USH2A c.14173T>C p.(Trp4725Arg) missense variant has not, to our knowledge, been reported in the peer-reviewed literature. This variant is not observed in version 2.1.1 of the Genome Aggregation Database. Based on the limited evidence, the c.14173T>C p.(Trp4725Arg) variant is classified as a variant of uncertain significance for Usher syndrome type 2.